The following is an entry in ClinVar:

NM_001378328.1(CELSR1):c.6714del (p.Phe2239fs)

Genes: CELSR1 (cadherin EGF LAG seven-pass G-type receptor 1; minus strand), LOC126863169 (BRD4-independent group 4 enhancer GRCh37_chr22:46782038-46783237; plus strand). Cytogenetic location: 22q13.31.
Variant type: Deletion.
Coding change: c.6714del on transcript NM_001378328.1 (MANE Select); coding-DNA position 6714, one base deleted (C; older notation c.6714delC).
Protein change: p.Phe2239fs; shifts the reading frame from phenylalanine 2239.
Molecular consequence: frameshift variant.
Genome position (GRCh38, 1-based): chr22:46,386,427, G deleted on the plus strand (C on the coding strand, the reverse complement: CELSR1 is on the minus strand); the first of 3 consecutive G bases (chr22:46,386,427-46,386,429); deleting any one gives the same sequence. VCF-style (leftmost placement, unchanged base first): chr22-46386426-AG-A. GRCh37 (hg19) VCF-style: chr22-46782323-AG-A.
Other names: c.6714del, p.Phe2239fs (NM_014246.4); short protein forms F2239fs.
Identifiers: ClinVar variation 2442489 (VCV002442489.1), dbSNP rs2518316831, ClinGen allele CA2580099890.

ClinVar aggregate classification (germline): Uncertain significance (1 of 4 stars; one submission).

Submission:

GeneDx
Classification: Uncertain significance. Last evaluated: 2022-08-25. Review status: criteria provided, single submitter. Criteria: GeneDx Variant Classification Process June 2021. Collection method: clinical testing. Allele origin: germline. Affected: yes.
Comment: Frameshift variant predicted to result in protein truncation or nonsense mediated decay in a gene or region of a gene for which loss of function is not a well-established mechanism of disease; Not observed at significant frequency in large population cohorts (gnomAD); Has not been previously published as pathogenic or benign to our knowledge